The following is an entry in ClinVar:

NM_007375.4(TARDBP):c.411A>G (p.Lys137=)

Gene: TARDBP (TAR DNA binding protein; plus strand). Cytogenetic location: 1p36.22.
Variant type: single nucleotide variant.
Coding change: c.411A>G on transcript NM_007375.4 (MANE Select); coding-DNA position 411, A replaced by G.
Protein change: p.Lys137=; no amino-acid change (lysine 137 retained).
Molecular consequence: synonymous variant.
Genome position (GRCh38, 1-based): chr1:11,018,741, A>G. VCF-style: chr1-11018741-A-G. GRCh37 (hg19) VCF-style: chr1-11078798-A-G.
Other names: c.411A>G (NM_007375.3).
Identifiers: ClinVar variation 916202 (VCV000916202.46), dbSNP rs766028449, ClinGen allele CA586377.

ClinVar aggregate classification (germline): Likely benign. Review status: criteria provided, multiple submitters, no conflicts (2 of 4 stars). 4 submissions from 4 submitters: Likely benign (3). 1 of the submissions does not count toward it. Last evaluated 2025-10-29.

Conditions:
FRONTOTEMPORAL LOBAR DEGENERATION WITH TDP43 INCLUSIONS, TARDBP-RELATED. Also called: Frontotemporal lobar degeneration, TARDBP-related. Identifiers: MedGen C3150169, OMIM 612069.
Amyotrophic lateral sclerosis type 10 (ALS10). Also called: AMYOTROPHIC LATERAL SCLEROSIS 10 WITH OR WITHOUT FRONTOTEMPORAL DEMENTIA; AMYOTROPHIC LATERAL SCLEROSIS 10 WITHOUT FRONTOTEMPORAL DEMENTIA AND WITH TDP43 INCLUSIONS; AMYOTROPHIC LATERAL SCLEROSIS 10 WITH OR WITHOUT FRONTOTEMPORAL DEMENTIA AND WITH TDP43 INCLUSIONS; TARDBP-Related Amyotrophic Lateral Sclerosis-Frontotemporal Dementia; Amyotrophic lateral sclerosis 10, with or without FTD. Identifiers: Orphanet 275872, Orphanet 803, MedGen C2677565, MONDO:0012790, OMIM 612069.
TARDBP-related disorder. Also called: TARDBP-related condition.

Allele frequency attached by ClinVar (database versions not stated): ExAC 0.00001; gnomAD 0.00001; gnomAD exomes 0.00001 and 0.00003; TOPMed 0.00001.
gnomAD v4.1: 39 of 1,614,204 alleles (0.0024%); highest among the groups gnomAD compares: Non-Finnish European, 0.0033%; no homozygotes.

Submissions (4):

Women's Health and Genetics/Laboratory Corporation of America, LabCorp
Classification: Likely benign. Last evaluated: 2025-10-29. Review status: criteria provided, single submitter. Criteria: LabCorp Variant Classification Summary - May 2015. Collection method: clinical testing. Allele origin: germline.
Comment: Variant summary: TARDBP c.411A>G alters a conserved nucleotide resulting in a synonymous change. Consensus agreement among computation tools predict no significant impact on normal splicing. However, these predictions have yet to be confirmed by functional studies. The variant allele was found at a frequency of 1.2e-05 in 251462 control chromosomes. The available data on variant occurrences in the general population are insufficient to allow any conclusion about variant significance. c.411A>G has been observed in at least one individual affected with Amyotrophic Lateral Sclerosis, without strong evidence of causality (example: Kirby_2010). This report does not provide unequivocal conclusions about association of the variant with Amyotrophic Lateral Sclerosis Type 10. To our knowledge, no experimental evidence demonstrating an impact on protein function has been reported. The following publication has been ascertained in the context of this evaluation (PMID: 19760257). ClinVar contains an entry for this variant (Variation ID: 916202). Based on the evidence outlined above, the variant was classified as likely benign.

Labcorp Genetics (formerly Invitae), Labcorp
Classification: Likely benign for Amyotrophic lateral sclerosis type 10; FRONTOTEMPORAL LOBAR DEGENERATION WITH TDP43 INCLUSIONS, TARDBP-RELATED. Last evaluated: 2022-02-25. Review status: criteria provided, single submitter. Criteria: Invitae Variant Classification Sherloc (09022015). Collection method: clinical testing. Allele origin: germline.

CeGaT Center for Human Genetics Tuebingen
Classification: Likely benign. Last evaluated: 2020-02-01. Review status: criteria provided, single submitter. Criteria: CeGaT Center For Human Genetics Tuebingen Variant Classification Criteria Version 2. Collection method: clinical testing. Allele origin: germline. Affected: yes. Observed: 1 variant allele.

PreventionGenetics, part of Exact Sciences
Classification: Likely benign for TARDBP-related condition. Last evaluated: 2019-03-22. Review status: no assertion criteria provided. Collection method: clinical testing. Allele origin: germline. Not counted in ClinVar's aggregate classification.
Comment: This variant is classified as likely benign based on ACMG/AMP sequence variant interpretation guidelines (Richards et al. 2015 PMID: 25741868, with internal and published modifications).

Literature cited by the submitters: PubMed 19760257 (cited by Women's Health and Genetics/Laboratory Corporation of America, LabCorp).